The following is an entry in ClinVar:

NM_002473.6(MYH9):c.4218C>T (p.Ala1406=)

Gene: MYH9 (myosin heavy chain 9; minus strand). Cytogenetic location: 22q12.3.
Variant type: single nucleotide variant.
Coding change: c.4218C>T on transcript NM_002473.6 (MANE Select); coding-DNA position 4218, C replaced by T.
Protein change: p.Ala1406=; no amino-acid change (alanine 1406 retained).
Molecular consequence: synonymous variant.
Genome position (GRCh38, 1-based): chr22:36,292,112, G>A on the plus strand (C>T on the coding strand, the complement: MYH9 is on the minus strand). VCF-style: chr22-36292112-G-A. GRCh37 (hg19) VCF-style: chr22-36688158-G-A.
Identifiers: ClinVar variation 734223 (VCV000734223.9), dbSNP rs142957635, ClinGen allele CA323590442.
Genomic context (GRCh38, chr22:36,292,112, plus strand): 5'-CAGCAGGTCGTCCAGCTCCTGCTGCAGCCGCGTCTTGGTCTTCTCCAGCTTGTCGTAGGC[G>A]GCCACCTTCTCCTCGTGCCGCTGGCTCAGGCCCTCCAGGTCCTTCTGGAGCTTCCTCTTC-3'
Protein context (NP_002464.1, residues 1396-1416): GLSQRHEEKV[Ala1406=]AYDKLEKTKT

ClinVar aggregate classification (germline): Likely benign. Review status: criteria provided, multiple submitters, no conflicts (2 of 4 stars). 4 submissions from 4 submitters: Likely benign (4). Last evaluated 2025-06-13.

Conditions:
MYH9-related disorder. Identifiers: MedGen C1854520.
Macrothrombocytopenia and granulocyte inclusions with or without nephritis or sensorineural hearing loss (MATINS). Also called: MYH9-Related Disease (MYH9-RD); BLEEDING DISORDER, PLATELET-TYPE, 6; MACROTHROMBOCYTOPENIA WITH LEUKOCYTE INCLUSIONS; SEBASTIAN PLATELET SYNDROME; MACROTHROMBOCYTOPENIA WITH DISPERSED LEUKOCYTIC INCLUSIONS; MACROTHROMBOCYTOPENIA, NEPHRITIS, AND DEAFNESS. Identifiers: Orphanet 182050, MedGen C5200934, MONDO:0015912, OMIM 155100.
Autosomal dominant nonsyndromic hearing loss 17. Also called: Autosomal dominant nonsyndromic deafness 17; Deafness, autosomal dominant 17. Identifiers: Orphanet 90635, MedGen C1863659, MONDO:0011350, OMIM 603622.

Allele frequency attached by ClinVar (database versions not stated): gnomAD 0.00003; TOPMed 0.00003.
gnomAD v4.1: 23 of 1,614,006 alleles (0.0014%); highest among the groups gnomAD compares: African/African-American, 0.0053%; no homozygotes.

Submissions (4):

PreventionGenetics, part of Exact Sciences
Classification: Likely benign for MYH9-related condition. Last evaluated: 2025-06-13. Review status: criteria provided, single submitter. Criteria: ACMG Guidelines, 2015. Collection method: clinical testing. Allele origin: germline.
Comment: This variant is classified as likely benign based on ACMG/AMP sequence variant interpretation guidelines (Richards et al. 2015 PMID: 25741868, with internal and published modifications).

Women's Health and Genetics/Laboratory Corporation of America, LabCorp
Classification: Likely benign. Last evaluated: 2025-04-08. Review status: criteria provided, single submitter. Criteria: LabCorp Variant Classification Summary - May 2015. Collection method: clinical testing. Allele origin: germline.

Labcorp Genetics (formerly Invitae), Labcorp
Classification: Likely benign. Last evaluated: 2024-04-08. Review status: criteria provided, single submitter. Criteria: Invitae Variant Classification Sherloc (09022015). Collection method: clinical testing. Allele origin: germline.

Fulgent Genetics
Classification: Likely benign for Macrothrombocytopenia and granulocyte inclusions with or without nephritis or sensorineural hearing loss; Autosomal dominant nonsyndromic hearing loss 17. Last evaluated: 2021-10-12. Review status: criteria provided, single submitter. Criteria: ACMG Guidelines, 2015. Collection method: clinical testing. Allele origin: unknown.